The following is an entry in ClinVar:

NM_000016.6(ACADM):c.135G>C (p.Gln45His)

Gene: ACADM (acyl-CoA dehydrogenase medium chain; plus strand). Cytogenetic location: 1p31.1.
Variant type: single nucleotide variant.
Coding change: c.135G>C on transcript NM_000016.6 (MANE Select); coding-DNA position 135, G replaced by C.
Protein change: p.Gln45His; replaces glutamine 45 with histidine.
Molecular consequence: missense variant. On other transcripts: 5 prime UTR variant (1).
Genome position (GRCh38, 1-based): chr1:75,732,660, G>C. VCF-style: chr1-75732660-G-C. GRCh37 (hg19) VCF-style: chr1-76198345-G-C.
Other names: c.147G>C, p.Gln49His (NM_001127328.3); c.27G>C, p.Gln9His (NM_001286042.2); c.135G>C, p.Gln45His (NM_001286043.2); c.-251G>C (NM_001286044.2); short protein forms Q45H, Q9H, Q49H.
Identifiers: ClinVar variation 2010808 (VCV002010808.4), dbSNP rs111347361, ClinGen allele CA340809161.

ClinVar aggregate classification (germline): Likely pathogenic (1 of 4 stars; one submission).

Conditions:
Medium-chain acyl-coenzyme A dehydrogenase deficiency (ACADMD). Also called: ACADM DEFICIENCY; MCADH DEFICIENCY; MCAD Deficiency; Medium chain acyl-CoA dehydrogenase deficiency; CARNITINE DEFICIENCY SECONDARY TO MEDIUM-CHAIN ACYL-CoA DEHYDROGENASE DEFICIENCY; MCADD. Identifiers: Orphanet 42, MedGen C0220710, MONDO:0008721, OMIM 201450.

Submission:

Labcorp Genetics (formerly Invitae), Labcorp
Classification: Likely pathogenic for Medium-chain acyl-coenzyme A dehydrogenase deficiency. Last evaluated: 2022-08-09. Review status: criteria provided, single submitter. Criteria: Invitae Variant Classification Sherloc (09022015). Collection method: clinical testing. Allele origin: germline.
Comment: In summary, the currently available evidence indicates that the variant is pathogenic, but additional data are needed to prove that conclusively. Therefore, this variant has been classified as Likely Pathogenic. This variant disrupts the p.Gln45 amino acid residue in ACADM. Other variant(s) that disrupt this residue have been determined to be pathogenic (PMID: 18241067, 20434380, 26947917; Invitae). This suggests that this residue is clinically significant, and that variants that disrupt this residue are likely to be disease-causing. Advanced modeling of protein sequence and biophysical properties (such as structural, functional, and spatial information, amino acid conservation, physicochemical variation, residue mobility, and thermodynamic stability) performed at Invitae indicates that this missense variant is expected to disrupt ACADM protein function. This variant has not been reported in the literature in individuals affected with ACADM-related conditions. This variant is not present in population databases (gnomAD no frequency). This sequence change replaces glutamine, which is neutral and polar, with histidine, which is basic and polar, at codon 45 of the ACADM protein (p.Gln45His).

Literature cited by the submitters: PubMed 18241067; PubMed 20434380; PubMed 26947917.